The following is an entry in ClinVar:

NM_004519.4(KCNQ3):c.148G>A (p.Val50Met)

Gene: KCNQ3 (potassium voltage-gated channel subfamily Q member 3; minus strand). Cytogenetic location: 8q24.22.
Variant type: single nucleotide variant.
Coding change: c.148G>A on transcript NM_004519.4 (MANE Select); coding-DNA position 148, G replaced by A.
Protein change: p.Val50Met; replaces valine 50 with methionine.
Molecular consequence: missense variant.
Genome position (GRCh38, 1-based): chr8:132,480,385, C>T on the plus strand (G>A on the coding strand, the complement: KCNQ3 is on the minus strand). VCF-style: chr8-132480385-C-T. GRCh37 (hg19) VCF-style: chr8-133492632-C-T.
Other names: short protein forms V50M.
Identifiers: ClinVar variation 2980507 (VCV002980507.3), dbSNP rs1329571058, ClinGen allele CA372292802.

ClinVar aggregate classification (germline): Uncertain significance (1 of 4 stars; one submission).

Conditions:
Benign neonatal seizures. Also called: Convulsions benign familial neonatal dominant form; Autosomal dominant form of benign neonatal seizures; Benign familial neonatal seizures; Benign neonatal familial convulsions; Benign familial neonatal epilepsy. Identifiers: Orphanet 1949, MedGen C0220669, MONDO:0016027.

gnomAD v4.1: 2 of 1,558,164 alleles (0.00013%); highest among the groups gnomAD compares: Non-Finnish European, 0.000086%; no homozygotes.

Submission:

Labcorp Genetics (formerly Invitae), Labcorp
Classification: Uncertain significance for Benign neonatal seizures. Last evaluated: 2023-10-12. Review status: criteria provided, single submitter. Criteria: Invitae Variant Classification Sherloc (09022015). Collection method: clinical testing. Allele origin: germline.
Comment: This sequence change replaces valine, which is neutral and non-polar, with methionine, which is neutral and non-polar, at codon 50 of the KCNQ3 protein (p.Val50Met). This variant is not present in population databases (gnomAD no frequency). This variant has not been reported in the literature in individuals affected with KCNQ3-related conditions. Advanced modeling of protein sequence and biophysical properties (such as structural, functional, and spatial information, amino acid conservation, physicochemical variation, residue mobility, and thermodynamic stability) performed at Invitae indicates that this missense variant is not expected to disrupt KCNQ3 protein function. In summary, the available evidence is currently insufficient to determine the role of this variant in disease. Therefore, it has been classified as a Variant of Uncertain Significance.